The following is an entry in ClinVar:

ClinVar aggregate classification (germline): Uncertain significance (1 of 4 stars; one submission).

Conditions:
Tuberous sclerosis syndrome (TSC). Also called: Tuberous Sclerosis Complex; Tuberous sclerosis. Identifiers: Orphanet 805, MedGen C0041341, MONDO:0001734.

Submission:

All of Us Research Program, National Institutes of Health
Classification: Uncertain significance for Tuberous sclerosis syndrome. Last evaluated: 2024-08-06. Review status: criteria provided, single submitter. Criteria: ACMG Guidelines, 2015. Collection method: clinical testing. Allele origin: germline. Inheritance: Autosomal dominant inheritance. Observed: 1 variant allele, 1 heterozygote.
Comment: This study involves interpretation of variants in research participants for the purpose of population health screening. Participant phenotype was not available at the time of variant classification. Additional details can be found in publication PMID: 35346344, PMCID: PMC8962531

NM_000548.5(TSC2):c.2910dup (p.Ala971fs)

Gene: TSC2 (TSC complex subunit 2; plus strand). Cytogenetic location: 16p13.3.
Variant type: Duplication.
Coding change: c.2910dup on transcript NM_000548.5 (MANE Select); coding-DNA position 2910, one base duplicated (T; older notation c.2910dupT).
Protein change: p.Ala971fs; shifts the reading frame from alanine 971.
Molecular consequence: frameshift variant. On other transcripts: intron variant (31).
Genome position (GRCh38, 1-based): chr16:2,077,670, T duplicated. VCF-style (leftmost placement, unchanged base first): chr16-2077669-C-CT. GRCh37 (hg19) VCF-style: chr16-2127670-C-CT.
Other names: c.2910dup, p.Ala971fs (NM_001114382.3, NM_001406663.1, NM_001406664.1); c.2799dup, p.Ala934fs (NM_001406670.1); c.2763dup, p.Ala922fs (NM_001406675.1, NM_001406676.1); c.2310dup, p.Ala771fs (NM_001406680.1, NM_001406682.1, NM_001406683.1 and 1 more transcripts); c.1566dup, p.Ala523fs (NM_001406689.1); c.1493+1085dup (NM_001406693.1, NM_001406690.1, NM_001406692.1 and 5 more transcripts); c.2927+1085dup (NM_001406667.1, NM_001406668.1); c.2237+1085dup (NM_001406687.1, NM_001406685.1, NM_001318831.2 and 2 more transcripts); and 8 more; short protein forms A523fs, A771fs, A922fs, A934fs, A971fs.
Identifiers: ClinVar variation 3386169 (VCV003386169.1).